The following is an entry in ClinVar:

ClinVar aggregate classification (germline): Uncertain significance. Review status: criteria provided, multiple submitters, no conflicts (2 of 4 stars). 2 submissions from 2 submitters: Uncertain significance (2). Last evaluated 2026-09-17.

Conditions:
MSH5-related disorder. Also called: MSH5-related condition.

Submissions (2):

PreventionGenetics, part of Exact Sciences
Classification: Uncertain significance for MSH5-related condition. Last evaluated: 2026-09-17. Review status: criteria provided, single submitter. Criteria: ACMG Guidelines, 2015. Collection method: clinical testing. Allele origin: germline.
Comment: The MSH5 c.637G>A variant is predicted to result in the amino acid substitution p.Gly213Arg. To our knowledge, this variant has not been reported in the literature. This variant is reported in 0.0054% of alleles in individuals of East Asian descent in gnomAD. At this time, the clinical significance of this variant is uncertain due to the absence of conclusive functional and genetic evidence.

Ambry Genetics
Classification: Uncertain significance. Last evaluated: 2023-06-06. Review status: criteria provided, single submitter. Criteria: Ambry Variant Classification Scheme 2023. Collection method: clinical testing. Allele origin: germline.

NM_172166.4(MSH5):c.586G>A (p.Gly196Arg)

Genes: MSH5 (mutS homolog 5; plus strand), MSH5-SAPCD1 (MSH5-SAPCD1 readthrough (NMD candidate); plus strand). Cytogenetic location: 6p21.33.
Variant type: single nucleotide variant.
Coding change: c.586G>A on transcript NM_172166.4 (MANE Select); coding-DNA position 586, G replaced by A.
Protein change: p.Gly196Arg; replaces glycine 196 with arginine.
Molecular consequence: missense variant. On other transcripts: non-coding transcript variant (1).
Genome position (GRCh38, 1-based): chr6:31,744,238, G>A. VCF-style: chr6-31744238-G-A. GRCh37 (hg19) VCF-style: chr6-31712015-G-A.
Other names: c.586G>A, p.Gly196Arg (NM_002441.5, NM_172165.4); c.637G>A, p.Gly213Arg (NM_025259.6); short protein forms G213R, G196R.
Identifiers: ClinVar variation 2515242 (VCV002515242.3), dbSNP rs375514940, ClinGen allele CA3721033.